The following is an entry in ClinVar:

NM_001110556.2(FLNA):c.1060C>T (p.His354Tyr)

Gene: FLNA (filamin A; minus strand). Cytogenetic location: Xq28.
Variant type: single nucleotide variant.
Coding change: c.1060C>T on transcript NM_001110556.2 (MANE Select); coding-DNA position 1060, C replaced by T.
Protein change: p.His354Tyr; replaces histidine 354 with tyrosine.
Molecular consequence: missense variant.
Genome position (GRCh38, 1-based): chrX:154,366,567, G>A on the plus strand (C>T on the coding strand, the complement: FLNA is on the minus strand). VCF-style: chrX-154366567-G-A. GRCh37 (hg19) VCF-style: chrX-153594935-G-A.
Other names: c.1060C>T, p.His354Tyr (NM_001456.4); short protein forms H354Y.
Identifiers: ClinVar variation 1041672 (VCV001041672.16), dbSNP rs1489530369, ClinGen allele CA415246974.

ClinVar aggregate classification (germline): Conflicting classifications of pathogenicity. Review status: criteria provided, conflicting classifications (1 of 4 stars). 5 submissions from 5 submitters: Uncertain significance (4); Likely benign (1). Last evaluated 2024-09-23.

Conditions:
Heterotopia, periventricular, X-linked dominant (PVNH1). Also called: PERIVENTRICULAR NODULAR HETEROTOPIA 4; HETEROTOPIA, PERIVENTRICULAR, 1; X-linked periventricular heterotopia; PERIVENTRICULAR NODULAR HETEROTOPIA 1. Identifiers: Orphanet 2149, Orphanet 82004, MedGen C1848213, MONDO:0010233, OMIM 300049.
Oto-palato-digital syndrome, type II (OPD2). Also called: Otopalatodigital Syndrome, Type II; Otopalatodigital Syndrome Type 2 (FLNA-OPD2); FACIOPALATOOSSEOUS SYNDROME; OPD II SYNDROME. Identifiers: Orphanet 669, Orphanet 90652, MedGen C1844696, MONDO:0010571, OMIM 304120.
Frontometaphyseal dysplasia (FMD1). Identifiers: Orphanet 1826, MedGen C0265293, MONDO:0015942.
Melnick-Needles syndrome (MNS). Also called: Melnick-Needles Syndrome (FLNA-MNS); MELNICK-NEEDLES OSTEODYSPLASTY; OSTEODYSPLASTY OF MELNICK AND NEEDLES. Identifiers: Orphanet 2484, MedGen C0025237, MONDO:0010650, OMIM 309350.
FG syndrome 2 (FGS2). Identifiers: MedGen C1845902, MONDO:0010297, OMIM 300321.
Intestinal pseudoobstruction, neuronal, chronic idiopathic, X-linked (CIIPX). Also called: FLNA-Related Periventricular Nodular Heterotopia (FLNA-Related PVNH; Huttenlocher Syndrome); CONGENITAL IDIOPATHIC INTESTINAL PSEUDOOBSTRUCTION; INTESTINAL PSEUDOOBSTRUCTION, NEURONAL, CHRONIC IDIOPATHIC, WITH CENTRAL NERVOUS SYSTEM INVOLVEMENT. Identifiers: Orphanet 2301, MedGen C2746068, MONDO:0010232, OMIM 300048.
Oto-palato-digital syndrome, type I (OPD1). Also called: Otopalatodigital Syndrome, Type I; Taybi syndrome; Otopalatodigital Syndrome Type 1 (FLNA-OPD1); OPD I SYNDROME; OPD SYNDROME 1. Identifiers: Orphanet 669, Orphanet 90650, MedGen C0265251, MONDO:0010704, OMIM 311300.
Cardiac valvular dysplasia, X-linked (CVDPX). Also called: VALVULAR HEART DISEASE, CONGENITAL; Congenital valvular dysplasia; Isolated X-Linked Cardiac Valvular Dysplasia; MYXOMATOUS VALVULAR DYSTROPHY, X-LINKED; FLNA-Related X-linked Cardiac Valvular Dysplasia. Identifiers: Orphanet 1864, Orphanet 555877, Orphanet 75497, MedGen C0262436, MONDO:0010753, OMIM 314400.
Terminal osseous dysplasia-pigmentary defects syndrome. Also called: ODPD; TERMINAL OSSEOUS DYSPLASIA AND PIGMENTARY DEFECTS; Terminal Osseous Dysplasia (FLNA-TOD); ODPF SYNDROME; OSSEOUS DYSPLASIA, DIGITAL, WITH FACIAL PIGMENTARY DEFECTS AND MULTIPLE FRENULA. Identifiers: Orphanet 88630, MedGen C1846129, MONDO:0010279, OMIM 300244.
Frontometaphyseal dysplasia 1 (FMD1). Also called: Frontometaphyseal Dysplasia (FLNA-FMD). Identifiers: Orphanet 1826, MedGen C4281559, MONDO:0024550, OMIM 305620.
Familial thoracic aortic aneurysm and aortic dissection (TAAD). Also called: Thoracic aortic aneurysms and dissections. Identifiers: Orphanet 91387, MedGen C4707243, MONDO:0019625.

Allele frequency attached by ClinVar (database versions not stated): TOPMed below 0.00001; gnomAD 0.00002; gnomAD exomes 0.00002.
gnomAD v4.1: 23 of 1,209,979 alleles (0.0019%); highest among the groups gnomAD compares: Non-Finnish European, 0.0026%; no homozygotes.

Submissions (5):

Labcorp Genetics (formerly Invitae), Labcorp
Classification: Likely benign for Oto-palato-digital syndrome, type II; Heterotopia, periventricular, X-linked dominant; Frontometaphyseal dysplasia; Melnick-Needles syndrome. Last evaluated: 2024-09-23. Review status: criteria provided, single submitter. Criteria: Invitae Variant Classification Sherloc (09022015). Collection method: clinical testing. Allele origin: germline.

GeneDx
Classification: Uncertain significance. Last evaluated: 2023-03-26. Review status: criteria provided, single submitter. Criteria: GeneDx Variant Classification Process June 2021. Collection method: clinical testing. Allele origin: germline. Affected: yes.
Comment: Not observed at significant frequency in large population cohorts (gnomAD); In silico analysis supports that this missense variant has a deleterious effect on protein structure/function; Has not been previously published as pathogenic or benign to our knowledge

Fulgent Genetics
Classification: Uncertain significance for Intestinal pseudoobstruction, neuronal, chronic idiopathic, X-linked; Heterotopia, periventricular, X-linked dominant; Terminal osseous dysplasia-pigmentary defects syndrome; FG syndrome 2; Oto-palato-digital syndrome, type II; Frontometaphyseal dysplasia 1; Melnick-Needles syndrome; Oto-palato-digital syndrome, type I; Cardiac valvular dysplasia, X-linked. Last evaluated: 2022-04-25. Review status: criteria provided, single submitter. Criteria: ACMG Guidelines, 2015. Collection method: clinical testing. Allele origin: unknown.

Blueprint Genetics
Classification: Uncertain significance. Last evaluated: 2021-11-03. Review status: criteria provided, single submitter. Criteria: ACMG Guidelines, 2015. Collection method: clinical testing. Allele origin: germline.

Ambry Genetics
Classification: Uncertain significance for Familial thoracic aortic aneurysm and aortic dissection. Last evaluated: 2021-05-18. Review status: criteria provided, single submitter. Criteria: Ambry Variant Classification Scheme 2023. Collection method: clinical testing. Allele origin: germline.
Comment: The p.H354Y variant (also known as c.1060C>T), located in coding exon 6 of the FLNA gene, results from a C to T substitution at nucleotide position 1060. The histidine at codon 354 is replaced by tyrosine, an amino acid with similar properties. Based on data from gnomAD, the T allele has an overall frequency of 0.005% (1/21932) total alleles studied, with no hemizygotes observed. The highest observed frequency was 0.01% (1/10738) of non-Finnish European alleles. This amino acid position is highly conserved in available vertebrate species. In addition, the in silico prediction for this alteration is inconclusive. Since supporting evidence is limited at this time, the clinical significance of this alteration remains unclear.